The following is an entry in ClinVar:

ClinVar aggregate classification (germline): Benign/Likely benign. Review status: criteria provided, multiple submitters, no conflicts (2 of 4 stars). 2 submissions from 2 submitters: Benign (1); Likely benign (1). Last evaluated 2025-07-12.

Conditions:
Hereditary cancer-predisposing syndrome. Also called: Neoplastic Syndromes, Hereditary; Hereditary neoplastic syndrome; Hereditary Cancer Syndrome; Tumor predisposition. Identifiers: Orphanet 140162, MedGen C0027672, MeSH D009386, MONDO:0015356.
Tuberous sclerosis 2 (TSC2). Identifiers: Orphanet 805, MedGen C1860707, MONDO:0013199, OMIM 613254.

gnomAD v4.1: 3 of 1,598,422 alleles (0.00019%); highest among the groups gnomAD compares: African/African-American, 0.0013%; no homozygotes.

Submissions (2):

Ambry Genetics
Classification: Likely benign for Hereditary cancer-predisposing syndrome. Last evaluated: 2025-07-12. Review status: criteria provided, single submitter. Criteria: Ambry Variant Classification Scheme 2023. Collection method: clinical testing. Allele origin: germline.

Myriad Genetics, Inc.
Classification: Benign for Tuberous sclerosis 2. Last evaluated: 2025-06-03. Review status: criteria provided, single submitter. Criteria: Myriad Autosomal Dominant, Autosomal Recessive and X-Linked Classification Criteria (2023). Collection method: clinical testing. Allele origin: unknown.
Comment: This variant is considered benign. This variant is a silent/synonymous amino acid change and it is not expected to impact splicing.

NM_000548.5(TSC2):c.4467A>G (p.Ala1489=)

Gene: TSC2 (TSC complex subunit 2; plus strand). Cytogenetic location: 16p13.3.
Variant type: single nucleotide variant.
Coding change: c.4467A>G on transcript NM_000548.5 (MANE Select); coding-DNA position 4467, A replaced by G.
Protein change: p.Ala1489=; no amino-acid change (alanine 1489 retained).
Molecular consequence: synonymous variant. On other transcripts: non-coding transcript variant (5).
Genome position (GRCh38, 1-based): chr16:2,084,689, A>G. VCF-style: chr16-2084689-A-G. GRCh37 (hg19) VCF-style: chr16-2134690-A-G.
Other names: c.4266A>G, p.Ala1422= (NM_001077183.3); c.4398A>G, p.Ala1466= (NM_001114382.3); c.4158A>G, p.Ala1386= (NM_001318827.2); c.4122A>G, p.Ala1374= (NM_001318829.2); c.3735A>G, p.Ala1245= (NM_001318831.2); c.4299A>G, p.Ala1433= (NM_001318832.2); c.4269A>G, p.Ala1423= (NM_001363528.2); c.4335A>G, p.Ala1445= (NM_001370404.1); and 26 more.
Identifiers: ClinVar variation 4071205 (VCV004071205.2).
Genomic context (GRCh38, chr16:2,084,689, plus strand): 5'-ACGCAGGGGCAAGAGAGTAGAGAGGGACGCCTTAAAGAGCAGAGCCACAGCCTCCAATGC[A>G]GAGAAAGTGCCAGGCATCAACCCCAGGTGGGCCTCTTGCTTCCGGGCGGGGCTCCTGACA-3'
Protein context (NP_000539.2, residues 1479-1499): ALKSRATASN[Ala1489=]EKVPGINPSF